The following is an entry in ClinVar:

ClinVar aggregate classification (germline): Uncertain significance (1 of 4 stars; one submission).

gnomAD v4.1: 1 of 1,580,506 alleles (0.000063%); highest among the groups gnomAD compares: Non-Finnish European, 0.000086%; no homozygotes.

Submission:

Ambry Genetics
Classification: Uncertain significance. Last evaluated: 2026-03-09. Review status: criteria provided, single submitter. Criteria: Ambry Variant Classification Scheme 2023. Collection method: clinical testing. Allele origin: germline.
Comment: The p.Q555E variant (also known as c.1663C>G), located in coding exon 7 of the WNK2 gene, results from a C to G substitution at nucleotide position 1663. The glutamine at codon 555 is replaced by glutamic acid, an amino acid with highly similar properties. This amino acid position is conserved. In addition, this alteration is predicted to be tolerated by in silico analysis. Based on the available evidence, the clinical significance of this variant remains unclear.

NM_006648.4(WNK2):c.1663C>G (p.Gln555Glu)

Gene: WNK2 (WNK lysine deficient protein kinase 2; plus strand). Cytogenetic location: 9q22.31.
Variant type: single nucleotide variant.
Coding change: c.1663C>G on transcript NM_006648.4 (MANE Select); coding-DNA position 1663, C replaced by G.
Protein change: p.Gln555Glu; replaces glutamine 555 with glutamic acid.
Molecular consequence: missense variant.
Genome position (GRCh38, 1-based): chr9:93,247,663, C>G. VCF-style: chr9-93247663-C-G. GRCh37 (hg19) VCF-style: chr9-96009945-C-G.
Other names: c.1663C>G, p.Gln555Glu (NM_001282394.3); short protein forms Q555E.
Identifiers: ClinVar variation 4826246 (VCV004826246.1).
Genomic context (GRCh38, chr9:93,247,663, plus strand): 5'-CGCGTGGCCTTGATCCAGTGGCGGCGGGAGAGGATCTGGCCCGCGCTGCAGCCCAAGGAG[C>G]AGCAGGATGTGGGCAGCCCGGACAAGGCCAGGGGTCCGCCGGTGCCCCTGCAGGTCCAGG-3'
Protein context (NP_006639.3, residues 545-565): RIWPALQPKE[Gln555Glu]QDVGSPDKAR